The following is an entry in ClinVar:

ClinVar aggregate classification (germline): Pathogenic (1 of 4 stars; one submission).

Submission:

Labcorp Genetics (formerly Invitae), Labcorp
Classification: Pathogenic. Last evaluated: 2023-08-10. Review status: criteria provided, single submitter. Criteria: Invitae Variant Classification Sherloc (09022015). Collection method: clinical testing. Allele origin: unknown.
Comment: This variant is a gross deletion of the genomic region encompassing exon(s) 1-4 of the EIF2B1 gene, which includes the initiator codon. This deletion extends beyond the assayed region for this gene and therefore may encompass additional genes. It is expected to result in an absent or disrupted protein product. Loss-of-function variants in EIF2B1 are known to be pathogenic (PMID: 11835386, 32865661). This variant has not been reported in the literature in individuals affected with EIF2B1-related conditions. For these reasons, this variant has been classified as Pathogenic.

Literature cited by the submitters: PubMed 11835386; PubMed 32865661.

NC_000012.11:g.(?_124114696)_(124118104_?)del

Gene: EIF2B1 (eukaryotic translation initiation factor 2B subunit alpha; minus strand). Cytogenetic location: 12q24.31.
Variant type: Deletion.
Identifiers: ClinVar variation 3244371 (VCV003244371.1).